The following is an entry in ClinVar:

NM_206933.4(USH2A):c.785-16_785-15del

Gene: USH2A (usherin; minus strand). Cytogenetic location: 1q41.
Variant type: Deletion.
Coding change: c.785-16_785-15del on transcript NM_206933.4 (MANE Select); 16 bases into the intron before coding-DNA position 785 through 15 bases into the intron before coding-DNA position 785, 2 bases deleted (AT; older notation c.785-16_785-15delAT).
Molecular consequence: intron variant.
Genome position (GRCh38, 1-based): chr1:216,327,669-216,327,670, AT deleted on the plus strand (AT on the coding strand, the reverse complement: USH2A is on the minus strand). VCF-style (leftmost placement, unchanged base first): chr1-216327668-CAT-C. GRCh37 (hg19) VCF-style: chr1-216501010-CAT-C.
Other names: c.785-16_785-15del (NM_007123.6).
Identifiers: ClinVar variation 227147 (VCV000227147.15), dbSNP rs150209313, ClinGen allele CA1396691.

ClinVar aggregate classification (germline): Benign/Likely benign. Review status: criteria provided, multiple submitters, no conflicts (2 of 4 stars). 5 submissions from 4 submitters: Benign (4); Likely benign (1). Last evaluated 2026-01-28.

Conditions:
Retinitis pigmentosa 39 (RP39). Identifiers: Orphanet 791, MedGen C3151138, MONDO:0013436, OMIM 613809.
Usher syndrome type 2A. Also called: RETINAL DISEASE IN USHER SYNDROME TYPE IIA, MODIFIER OF; USHER SYNDROME, TYPE IIA. Identifiers: Orphanet 231178, Orphanet 886, MedGen C1848634, MONDO:0010169, OMIM 276901.

Allele frequency attached by ClinVar (database versions not stated): gnomAD exomes 0.00047 and 0.00131; gnomAD 0.00051 and 0.00081; TOPMed 0.00056; 1000 Genomes Project 0.00739; ExAC 0.00121; 1000 Genomes Project 30x 0.00687.

Submissions (5):

Labcorp Genetics (formerly Invitae), Labcorp
Classification: Benign. Last evaluated: 2026-01-28. Review status: criteria provided, single submitter. Criteria: Invitae Variant Classification Sherloc (09022015). Collection method: clinical testing. Allele origin: germline.

Blueprint Genetics
Classification: Likely benign. Last evaluated: 2024-11-25. Review status: criteria provided, single submitter. Criteria: ACMG Guidelines, 2015. Collection method: clinical testing. Allele origin: germline.

Genome-Nilou Lab
Classification: Benign for Retinitis pigmentosa 39. Last evaluated: 2023-04-11. Review status: criteria provided, single submitter. Criteria: ACMG Guidelines, 2015. Collection method: clinical testing. Allele origin: germline. Affected: no.

Genome-Nilou Lab
Classification: Benign for Usher syndrome type 2A. Last evaluated: 2023-04-11. Review status: criteria provided, single submitter. Criteria: ACMG Guidelines, 2015. Collection method: clinical testing. Allele origin: germline. Affected: no.

Laboratory for Molecular Medicine, Mass General Brigham Personalized Medicine
Classification: Benign. Last evaluated: 2015-05-05. Review status: criteria provided, single submitter. Criteria: LMM Criteria. Collection method: clinical testing. Allele origin: germline. Observed: 2 variant alleles.
Comment: c.785-16_785-15delAT in intron 4 of USH2A: This variant is not expected to have clinical significance because it has been identified in 1.6% (134/8536) of East Asian chromosomes by the Exome Aggregation Consortium (ExAC; dbSNP rs150209313).

Literature cited by the submitters: PubMed 21593743 (cited by Laboratory for Molecular Medicine, Mass General Brigham Personalized Medicine); PubMed 22135276 (cited by Laboratory for Molecular Medicine, Mass General Brigham Personalized Medicine).